The following is an entry in ClinVar:

ClinVar aggregate classification (germline): Uncertain significance (1 of 4 stars; one submission).

Allele frequency attached by ClinVar (database versions not stated): gnomAD exomes below 0.00001 and 0.00001; ExAC 0.00001; gnomAD 0.00001.
gnomAD v4.1: 6 of 1,614,006 alleles (0.00037%); highest among the groups gnomAD compares: Middle Eastern, 0.016%; no homozygotes.

Submission:

Labcorp Genetics (formerly Invitae), Labcorp
Classification: Uncertain significance. Last evaluated: 2025-09-02. Review status: criteria provided, single submitter. Criteria: Invitae Variant Classification Sherloc (09022015). Collection method: clinical testing. Allele origin: germline.
Comment: This sequence change replaces methionine, which is neutral and non-polar, with valine, which is neutral and non-polar, at codon 974 of the ATRN protein (p.Met974Val). This variant is present in population databases (rs769963361, gnomAD 0.0009%). This variant has not been reported in the literature in individuals affected with ATRN-related conditions. ClinVar contains an entry for this variant (Variation ID: 1501017). An algorithm developed to predict the effect of missense changes on protein structure and function (PolyPhen-2) suggests that this variant is likely to be tolerated. In summary, the available evidence is currently insufficient to determine the role of this variant in disease. Therefore, it has been classified as a Variant of Uncertain Significance.

NM_139321.3(ATRN):c.2920A>G (p.Met974Val)

Gene: ATRN (attractin; plus strand). Cytogenetic location: 20p13.
Variant type: single nucleotide variant.
Coding change: c.2920A>G on transcript NM_139321.3 (MANE Select); coding-DNA position 2920, A replaced by G.
Protein change: p.Met974Val; replaces methionine 974 with valine.
Molecular consequence: missense variant.
Genome position (GRCh38, 1-based): chr20:3,584,053, A>G. VCF-style: chr20-3584053-A-G. GRCh37 (hg19) VCF-style: chr20-3564700-A-G.
Other names: c.2572A>G, p.Met858Val (NM_001207047.3); c.2920A>G, p.Met974Val (NM_001323332.2, NM_139322.4); short protein forms M974V, M858V.
Identifiers: ClinVar variation 1501017 (VCV001501017.8), dbSNP rs769963361, ClinGen allele CA9744370.